The following is an entry in ClinVar:

ClinVar aggregate classification (germline): Pathogenic/Likely pathogenic. Review status: criteria provided, multiple submitters, no conflicts (2 of 4 stars). 2 submissions from 2 submitters: Pathogenic (1); Likely pathogenic (1). Last evaluated 2024-01-23.

Conditions:
Argininosuccinate lyase deficiency. Also called: ARGININOSUCCINIC ACID LYASE DEFICIENCY; ASL DEFICIENCY; Argininosuccinic aciduria. Identifiers: Orphanet 23, MedGen C0268547, MONDO:0008815, OMIM 207900, HP:0025630.

Submissions (2):

Fulgent Genetics
Classification: Likely pathogenic for Argininosuccinate lyase deficiency. Last evaluated: 2024-01-23. Review status: criteria provided, single submitter. Criteria: ACMG Guidelines, 2015. Collection method: clinical testing. Allele origin: germline.

Labcorp Genetics (formerly Invitae), Labcorp
Classification: Pathogenic for Argininosuccinate lyase deficiency. Last evaluated: 2023-02-04. Review status: criteria provided, single submitter. Criteria: Invitae Variant Classification Sherloc (09022015). Collection method: clinical testing. Allele origin: germline.
Comment: Algorithms developed to predict the effect of sequence changes on RNA splicing suggest that this variant may disrupt the consensus splice site. This sequence change affects an acceptor splice site in intron 6 of the ASL gene. It is expected to disrupt RNA splicing. Variants that disrupt the donor or acceptor splice site typically lead to a loss of protein function (PMID: 16199547), and loss-of-function variants in ASL are known to be pathogenic (PMID: 2263616, 24166829). This variant is not present in population databases (gnomAD no frequency). Disruption of this splice site has been observed in individual(s) with argininosuccinate lyase deficiency (PMID: 23430928). For these reasons, this variant has been classified as Pathogenic.

Literature cited by the submitters: PubMed 16199547 (cited by Labcorp Genetics (formerly Invitae), Labcorp); PubMed 2263616 (cited by Labcorp Genetics (formerly Invitae), Labcorp); PubMed 24166829 (cited by Labcorp Genetics (formerly Invitae), Labcorp); PubMed 23430928 (cited by Labcorp Genetics (formerly Invitae), Labcorp).

NM_000048.4(ASL):c.447-2A>G

Gene: ASL (argininosuccinate lyase; plus strand). Cytogenetic location: 7q11.21.
Variant type: single nucleotide variant.
Coding change: c.447-2A>G on transcript NM_000048.4 (MANE Select); the canonical splice acceptor site of the intron before coding-DNA position 447, A replaced by G.
Molecular consequence: splice acceptor variant.
Genome position (GRCh38, 1-based): chr7:66,086,583, A>G. VCF-style: chr7-66086583-A-G. GRCh37 (hg19) VCF-style: chr7-65551570-A-G.
Other names: c.447-2A>G (NM_001024943.2, NM_001024944.2, NM_001024946.2).
Identifiers: ClinVar variation 2834454 (VCV002834454.4), dbSNP rs2485007765, ClinGen allele CA367641461.